The following is an entry in ClinVar:

NM_001128425.2(MUTYH):c.1A>C (p.Met1Leu)

Genes: MUTYH (mutY DNA glycosylase; minus strand), TOE1 (target of EGR1, exonuclease; plus strand). Cytogenetic location: 1p34.1.
Variant type: single nucleotide variant.
Coding change: c.1A>C on transcript NM_001128425.2 (MANE Plus Clinical); coding-DNA position 1, A replaced by C.
Protein change: p.Met1Leu; changes the start codon (methionine 1).
Molecular consequence: missense variant, initiator codon variant. On other transcripts: 5 prime UTR variant (7), non-coding transcript variant (3).
Genome position (GRCh38, 1-based): chr1:45,340,254, T>G on the plus strand (A>C on the coding strand, the complement: MUTYH is on the minus strand). VCF-style: chr1-45340254-T-G. GRCh37 (hg19) VCF-style: chr1-45805926-T-G.
Other names: c.2T>G, p.Met1Arg (NM_025077.4); c.-42A>C (NM_001048171.2); c.1A>C, p.Met1Leu (NM_001293190.2, NM_001407069.1, NM_001407073.1 and 1 more transcripts); c.-254A>C (NM_001293192.2); c.-313A>C (NM_001350650.2); c.-249A>C (NM_001350651.2); c.-58A>C (NM_001407070.1, NM_001407071.1); c.-38A>C (NM_001407072.1); short protein forms M1L, M1R.
Identifiers: ClinVar variation 1372964 (VCV001372964.9), dbSNP rs1646823787, ClinGen allele CA340137932.

ClinVar aggregate classification (germline): Uncertain significance. Review status: criteria provided, multiple submitters, no conflicts (2 of 4 stars). 2 submissions from 2 submitters: Uncertain significance (2). Last evaluated 2024-08-08.

Conditions:
Familial adenomatous polyposis 2. Also called: Adenomas, multiple colorectal; COLORECTAL ADENOMATOUS POLYPOSIS, AUTOSOMAL RECESSIVE; ADENOMAS, MULTIPLE COLORECTAL, AUTOSOMAL RECESSIVE; FAP type 2; MYH-associated polyposis; MUTYH-associated polyposis. Identifiers: Orphanet 220460, Orphanet 247798, MedGen C3272841, MONDO:0012041, OMIM 608456.
Hereditary cancer-predisposing syndrome. Also called: Tumor predisposition; Neoplastic Syndromes, Hereditary; Hereditary Cancer Syndrome; Hereditary neoplastic syndrome. Identifiers: Orphanet 140162, MedGen C0027672, MeSH D009386, MONDO:0015356.

Submissions (2):

Ambry Genetics
Classification: Uncertain significance for Hereditary cancer-predisposing syndrome. Last evaluated: 2024-08-08. Review status: criteria provided, single submitter. Criteria: Ambry Variant Classification Scheme 2023. Collection method: clinical testing. Allele origin: germline.
Comment: The p.M1? variant (also known as c.1A>C), located in coding exon 1 of the MUTYH gene, results from an A to C substitution at nucleotide position 1. This alters the methionine residue at the initiation codon. However, there are alternative initiation (or start) codons in other biologically relevant transcripts. The MUTYH gene contains two alternate initiation sites located at codon 15 and 54 producing the beta and gamma isoforms of the protein (Parker AR, Cell. Mol. Life Sci. 2003 Oct; 60(10):2064-83). These isoforms have been shown to be expressed in a wide variety of tissue types, although at lower levels than the M1-alpha isoform, and lacking the mitochondrial localization signal located in the first 14 amino acids (Plotz G, Hum. Mutat. 2012 Jul; 33(7):1067-74). This amino acid position is well conserved in available vertebrate species. Based on the available evidence, the clinical significance of this variant remains unclear.

Labcorp Genetics (formerly Invitae), Labcorp
Classification: Uncertain significance for Familial adenomatous polyposis 2. Last evaluated: 2024-04-22. Review status: criteria provided, single submitter. Criteria: Invitae Variant Classification Sherloc (09022015). Collection method: clinical testing. Allele origin: germline.
Comment: This sequence change affects the initiator methionine of the MUTYH mRNA. The next in-frame methionine is located at codon 15. This variant is not present in population databases (gnomAD no frequency). This variant has not been reported in the literature in individuals affected with MUTYH-related conditions. ClinVar contains an entry for this variant (Variation ID: 1372964). Experimental studies and prediction algorithms are not available or were not evaluated, and the functional significance of this variant is currently unknown. In summary, the available evidence is currently insufficient to determine the role of this variant in disease. Therefore, it has been classified as a Variant of Uncertain Significance.